The following is an entry in ClinVar:

ClinVar aggregate classification (germline): Uncertain significance (1 of 4 stars; one submission).

Conditions:
Fanconi anemia complementation group J. Also called: BRIP1-Related Fanconi Anemia. Identifiers: Orphanet 84, MedGen C1836860, MONDO:0012187, OMIM 609054.
Familial cancer of breast. Also called: BREAST CANCER, FAMILIAL; Hereditary breast cancer; hereditary breast carcinoma. Identifiers: Orphanet 227535, MedGen C0346153, MONDO:0016419, OMIM 114480. Disease mechanism: loss of function.

Submission:

Labcorp Genetics (formerly Invitae), Labcorp
Classification: Uncertain significance for Familial cancer of breast; Fanconi anemia complementation group J. Last evaluated: 2023-08-02. Review status: criteria provided, single submitter. Criteria: Invitae Variant Classification Sherloc (09022015). Collection method: clinical testing. Allele origin: germline.
Comment: This sequence change replaces asparagine, which is neutral and polar, with aspartic acid, which is acidic and polar, at codon 1028 of the BRIP1 protein (p.Asn1028Asp). In summary, the available evidence is currently insufficient to determine the role of this variant in disease. Therefore, it has been classified as a Variant of Uncertain Significance. This variant is not present in population databases (gnomAD no frequency). This variant has not been reported in the literature in individuals affected with BRIP1-related conditions. Algorithms developed to predict the effect of missense changes on protein structure and function output the following: SIFT: "Not Available"; PolyPhen-2: "Benign"; Align-GVGD: "Not Available". The aspartic acid amino acid residue is found in multiple mammalian species, which suggests that this missense change does not adversely affect protein function.

NM_032043.3(BRIP1):c.3082A>G (p.Asn1028Asp)

Gene: BRIP1 (BRCA1 interacting DNA helicase 1; minus strand). Cytogenetic location: 17q23.2.
Variant type: single nucleotide variant.
Coding change: c.3082A>G on transcript NM_032043.3 (MANE Select); coding-DNA position 3082, A replaced by G.
Protein change: p.Asn1028Asp; replaces asparagine 1028 with aspartic acid.
Molecular consequence: missense variant.
Genome position (GRCh38, 1-based): chr17:61,683,964, T>C on the plus strand (A>G on the coding strand, the complement: BRIP1 is on the minus strand). VCF-style: chr17-61683964-T-C. GRCh37 (hg19) VCF-style: chr17-59761325-T-C.
Other names: short protein forms N1028D.
Identifiers: ClinVar variation 2950606 (VCV002950606.3), dbSNP rs2144088830, ClinGen allele CA400479825.